The following is an entry in ClinVar:

NM_000256.3(MYBPC3):c.2179G>A (p.Val727Met)

Gene: MYBPC3 (myosin binding protein C3; minus strand). Cytogenetic location: 11p11.2.
Variant type: single nucleotide variant.
Coding change: c.2179G>A on transcript NM_000256.3 (MANE Select); coding-DNA position 2179, G replaced by A.
Protein change: p.Val727Met; replaces valine 727 with methionine.
Molecular consequence: missense variant.
Genome position (GRCh38, 1-based): chr11:47,338,649, C>T on the plus strand (G>A on the coding strand, the complement: MYBPC3 is on the minus strand). VCF-style: chr11-47338649-C-T. GRCh37 (hg19) VCF-style: chr11-47360200-C-T.
Other names: p.V727M:GTG>ATG; c.2179G>A, p.Val727Met (LRG_386t1); short protein forms V727M.
Identifiers: ClinVar variation 180964 (VCV000180964.27), dbSNP rs564378953, ClinGen allele CA011840.
Genomic context (GRCh38, chr11:47,338,649, plus strand): 5'-CCTCATCTTCCTTCTCTGCCCCCTCGACCGTGAAGATGCTGCGGTCCTTGGTGGTCTCCA[C>T]GCGGACCCGGCCCTCGGTCTCACACAGCAGCTGGGGGGGTGCAGAGTTGGGGTGAGATCC-3'
Protein context (NP_000247.2, residues 717-737): LLCETEGRVR[Val727Met]ETTKDRSIFT

ClinVar aggregate classification (germline): Uncertain significance. Review status: criteria provided, multiple submitters, no conflicts (2 of 4 stars). 9 submissions from 9 submitters: Uncertain significance (7). 2 of the submissions do not count toward it. Last evaluated 2026-01-27.

Conditions:
Cardiovascular phenotype. Identifiers: MedGen CN230736.
Cardiomyopathy (CMYO). Also called: Cardiomyopathies. Identifiers: Orphanet 167848, MedGen C0878544, MONDO:0004994, HP:0001638. Inheritance: Various modes of inheritance.
Hypertrophic cardiomyopathy. Also called: HYPERTROPHIC MYOCARDIOPATHY. Identifiers: Orphanet 217569, MedGen C0007194, MeSH D002312, MONDO:0005045, HP:0001639.

Allele frequency attached by ClinVar (database versions not stated): ExAC 0.00004; gnomAD 0.00004; TOPMed 0.00005.
gnomAD v4.1: 99 of 1,613,568 alleles (0.0061%); highest among the groups gnomAD compares: Admixed American, 0.013%; no homozygotes.

Submissions (9):

Labcorp Genetics (formerly Invitae), Labcorp
Classification: Uncertain significance for Hypertrophic cardiomyopathy. Last evaluated: 2026-01-27. Review status: criteria provided, single submitter. Criteria: Invitae Variant Classification Sherloc (09022015). Collection method: clinical testing. Allele origin: germline.
Comment: This sequence change replaces valine, which is neutral and non-polar, with methionine, which is neutral and non-polar, at codon 727 of the MYBPC3 protein (p.Val727Met). This variant is present in population databases (rs564378953, gnomAD 0.01%). This missense change has been observed in individual(s) with hypertrophic cardiomyopathy (PMID: 25351510, 28790153, 32841044). This missense change has been observed to co-occur in individuals with a different variant in MYBPC3 that has been determined to be pathogenic (PMID: 25351510, 28790153), but the significance of this finding is unclear. ClinVar contains an entry for this variant (Variation ID: 180964). An algorithm developed to predict the effect of missense changes on protein structure and function (PolyPhen-2) suggests that this variant is likely to be disruptive. In summary, the available evidence is currently insufficient to determine the role of this variant in disease. Therefore, it has been classified as a Variant of Uncertain Significance.

GeneDx
Classification: Uncertain significance. Last evaluated: 2024-11-13. Review status: criteria provided, single submitter. Criteria: GeneDx Variant Classification Process June 2021. Collection method: clinical testing. Allele origin: germline. Affected: yes.
Comment: In silico analysis indicates that this missense variant does not alter protein structure/function; Identified independently and in conjunction with additional cardiogenetic variants in individuals with cardiomyopathy in published literature and in individuals referred for cardiomyopathy genetic testing at GeneDx, but segregation data is limited or absent at this time (PMID: 28790153, 25351510, 32841044); This variant is associated with the following publications: (PMID: 24755471, 25351510, 32841044, 31376648, 28790153)

Blueprint Genetics
Classification: Uncertain significance. Last evaluated: 2024-11-08. Review status: criteria provided, single submitter. Criteria: ACMG Guidelines, 2015. Collection method: clinical testing. Allele origin: germline.

Women's Health and Genetics/Laboratory Corporation of America, LabCorp
Classification: Uncertain significance. Last evaluated: 2024-09-30. Review status: criteria provided, single submitter. Criteria: LabCorp Variant Classification Summary - May 2015. Collection method: clinical testing. Allele origin: germline.
Comment: Variant summary: MYBPC3 c.2179G>A (p.Val727Met) results in a conservative amino acid change in the encoded protein sequence. Three of four in-silico tools predict a benign effect of the variant on protein function. The variant allele was found at a frequency of 6.1e-05 in 247856 control chromosomes. This frequency is not significantly higher than estimated for a pathogenic variant in MYBPC3 causing Cardiomyopathy (6.1e-05 vs 0.001), allowing no conclusion about variant significance. c.2179G>A has been reported in the literature in individuals affected with Cardiomyopathy. These report(s) do not provide unequivocal conclusions about association of the variant with Cardiomyopathy. Co-occurrences with another pathogenic variant has been reported (MYBPC3 c.772G>A, p.Glu258Lys), providing supporting evidence for a benign role. To our knowledge, no experimental evidence demonstrating an impact on protein function has been reported. The following publications have been ascertained in the context of this evaluation (PMID: 28790153, 25351510, 31376648). ClinVar contains an entry for this variant (Variation ID: 180964). Based on the evidence outlined above, the variant was classified as uncertain significance.

All of Us Research Program, National Institutes of Health
Classification: Uncertain significance for Hypertrophic cardiomyopathy. Last evaluated: 2024-09-23. Review status: criteria provided, single submitter. Criteria: ACMG Guidelines, 2015. Collection method: clinical testing. Allele origin: germline. Inheritance: Autosomal dominant inheritance. Observed: 16 variant alleles, 16 heterozygotes.
Comment: This missense variant replaces valine with methionine at codon 727 of the MYBPC3 protein. Computational prediction suggests that this variant may not impact protein structure and function (internally defined REVEL score threshold <= 0.5, PMID: 27666373). Splice site prediction tools suggest that this variant may not impact RNA splicing. To our knowledge, functional studies have not been reported for this variant. This variant has been reported in two individuals affected with hypertrophic cardiomyopathy (PMID: 25351510, 28790153). One of these individuals carried a pathogenic variant in the same gene, which could explain the observed phenotype (PMID: 28790153). This variant has been identified in 19/279250 chromosomes in the general population by the Genome Aggregation Database (gnomAD). The available evidence is insufficient to determine the role of this variant in disease conclusively. Therefore, this variant is classified as a Variant of Uncertain Significance.

This study involves interpretation of variants in research participants for the purpose of population health screening. Participant phenotype was not available at the time of variant classification. Additional details can be found in publication PMID: 35346344, PMCID: PMC8962531

Color Diagnostics, LLC DBA Color Health
Classification: Uncertain significance for Cardiomyopathy. Last evaluated: 2024-07-31. Review status: criteria provided, single submitter. Criteria: ACMG Guidelines, 2015. Collection method: clinical testing. Allele origin: germline.
Comment: This missense variant replaces valine with methionine at codon 727 of the MYBPC3 protein. Computational prediction suggests that this variant may not impact protein structure and function. To our knowledge, functional studies have not been reported for this variant. This variant has been reported in individuals affected with hypertrophic cardiomyopathy (PMID: 25351510, 28790153, 32841044). One of these individuals also carried a different pathogenic missense variant in the same gene (PMID: 28790153). This variant has been identified in 19/279250 chromosomes in the general population by the Genome Aggregation Database (gnomAD). The available evidence is insufficient to determine the role of this variant in disease conclusively. Therefore, this variant is classified as a Variant of Uncertain Significance.

Ambry Genetics
Classification: Uncertain significance for Cardiovascular phenotype. Last evaluated: 2024-07-05. Review status: criteria provided, single submitter. Criteria: Ambry Variant Classification Scheme 2023. Collection method: clinical testing. Allele origin: germline.
Comment: The p.V727M variant (also known as c.2179G>A), located in coding exon 23 of the MYBPC3 gene, results from a G to A substitution at nucleotide position 2179. The valine at codon 727 is replaced by methionine, an amino acid with highly similar properties. This alteration has been reported in hypertrophic cardiomyopathy (HCM) cohorts; however, clinical details were limited (Lopes LR et al. Heart, 2015 Feb;101:294-301; Helms AS et al. Circ Genom Precis Med, 2020 10;13:396-405). This alteration was also described in an HCM patient who had a second alteration in MYBPC3; however, phase was unknown (Burns C et al. Circ Cardiovasc Genet, 2017 Aug;10). This amino acid position is highly conserved in available vertebrate species. In addition, the in silico prediction for this alteration is inconclusive. Based on the available evidence, the clinical significance of this variant remains unclear.

Clinical Genetics DNA and cytogenetics Diagnostics Lab, Erasmus MC, Erasmus Medical Center
Classification: Uncertain significance. Review status: no assertion criteria provided. Collection method: clinical testing. Allele origin: germline. Affected: yes. Study: VKGL Data-share Consensus. Not counted in ClinVar's aggregate classification.

Diagnostic Laboratory, Department of Genetics, University Medical Center Groningen
Classification: Uncertain significance. Review status: no assertion criteria provided. Collection method: clinical testing. Allele origin: germline. Affected: yes. Study: VKGL Data-share Consensus. Not counted in ClinVar's aggregate classification.

Literature cited by the submitters: PubMed 25351510 (cited by 5 submitters); PubMed 28790153 (cited by 5 submitters); PubMed 32841044 (cited by 3 submitters); PubMed 31376648 (cited by Women's Health and Genetics/Laboratory Corporation of America, LabCorp and Ambry Genetics).